The following is an entry in ClinVar:

ClinVar aggregate classification (germline): Uncertain significance (1 of 4 stars; one submission).

Conditions:
CHARGE syndrome (CHARGE). Also called: Hittner Hirsch Kreh syndrome; CHARGE ASSOCIATION--COLOBOMA, HEART ANOMALY, CHOANAL ATRESIA, RETARDATION, GENITAL AND EAR ANOMALIES; Coloboma, heart anomaly, choanal atresia, retardation, genital and ear anomalies; CHARGE association; Hall-Hittner syndrome. Identifiers: Orphanet 138, MedGen C0265354, MONDO:0008965.

Submission:

Labcorp Genetics (formerly Invitae), Labcorp
Classification: Uncertain significance for CHARGE syndrome. Last evaluated: 2021-02-24. Review status: criteria provided, single submitter. Criteria: Invitae Variant Classification Sherloc (09022015). Collection method: clinical testing. Allele origin: germline.
Comment: This sequence change falls in intron 5 of the SEMA3E gene. It does not directly change the encoded amino acid sequence of the SEMA3E protein. It affects a nucleotide within the consensus splice site of the intron. This variant is not present in population databases (ExAC no frequency). This variant has not been reported in the literature in individuals with SEMA3E-related conditions. Nucleotide substitutions within the consensus splice site are a relatively common cause of aberrant splicing (PMID: 17576681, 9536098). Algorithms developed to predict the effect of sequence changes on RNA splicing suggest that this variant may disrupt the consensus splice site, but this prediction has not been confirmed by published transcriptional studies. In summary, the available evidence is currently insufficient to determine the role of this variant in disease. Therefore, it has been classified as a Variant of Uncertain Significance.

Literature cited by the submitters: PubMed 17576681; PubMed 9536098.

NM_012431.3(SEMA3E):c.551-3T>G

Gene: SEMA3E (semaphorin 3E; minus strand). Cytogenetic location: 7q21.11.
Variant type: single nucleotide variant.
Coding change: c.551-3T>G on transcript NM_012431.3 (MANE Select); 3 bases into the intron before coding-DNA position 551, T replaced by G.
Molecular consequence: intron variant.
Genome position (GRCh38, 1-based): chr7:83,408,490, A>C on the plus strand (T>G on the coding strand, the complement: SEMA3E is on the minus strand). VCF-style: chr7-83408490-A-C. GRCh37 (hg19) VCF-style: chr7-83037806-A-C.
Other names: c.371-3T>G (NM_001178129.2).
Identifiers: ClinVar variation 1375467 (VCV001375467.6), dbSNP rs1351334262, ClinGen allele CA2573142388.